The following is an entry in ClinVar:

ClinVar aggregate classification (germline): Uncertain significance (1 of 4 stars; one submission).

Conditions:
Juvenile onset Parkinson disease 19A. Also called: PARK19; DNAJC6 Parkinson Disease. Identifiers: Orphanet 391411, MedGen C3809811, MONDO:0014231, OMIM 615528.

Allele frequency attached by ClinVar (database versions not stated): gnomAD exomes below 0.00001 and 0.00001; ExAC 0.00002; gnomAD 0.00004; TOPMed 0.00004.
gnomAD v4.1: 18 of 1,614,112 alleles (0.0011%); highest among the groups gnomAD compares: African/African-American, 0.016%; no homozygotes.

Submission:

Labcorp Genetics (formerly Invitae), Labcorp
Classification: Uncertain significance for Juvenile onset Parkinson disease 19A. Last evaluated: 2021-09-17. Review status: criteria provided, single submitter. Criteria: Invitae Variant Classification Sherloc (09022015). Collection method: clinical testing. Allele origin: germline.
Comment: In summary, the available evidence is currently insufficient to determine the role of this variant in disease. Therefore, it has been classified as a Variant of Uncertain Significance. Algorithms developed to predict the effect of missense changes on protein structure and function output the following: SIFT: "Tolerated"; PolyPhen-2: "Benign"; Align-GVGD: "Class C0". The serine amino acid residue is found in multiple mammalian species, which suggests that this missense change does not adversely affect protein function. This variant has not been reported in the literature in individuals affected with DNAJC6-related conditions. This variant is present in population databases (rs369274494, ExAC 0.02%). This sequence change replaces alanine with serine at codon 815 of the DNAJC6 protein (p.Ala815Ser). The alanine residue is moderately conserved and there is a moderate physicochemical difference between alanine and serine.

NM_001256864.2(DNAJC6):c.2443G>T (p.Ala815Ser)

Gene: DNAJC6 (DnaJ heat shock protein family (Hsp40) member C6; plus strand). Cytogenetic location: 1p31.3.
Variant type: single nucleotide variant.
Coding change: c.2443G>T on transcript NM_001256864.2 (MANE Select); coding-DNA position 2443, G replaced by T.
Protein change: p.Ala815Ser; replaces alanine 815 with serine.
Molecular consequence: missense variant.
Genome position (GRCh38, 1-based): chr1:65,406,085, G>T. VCF-style: chr1-65406085-G-T. GRCh37 (hg19) VCF-style: chr1-65871768-G-T.
Other names: c.2233G>T, p.Ala745Ser (NM_001256865.2); c.2272G>T, p.Ala758Ser (NM_014787.4); short protein forms A815S, A745S, A758S.
Identifiers: ClinVar variation 1493001 (VCV001493001.6), dbSNP rs369274494, ClinGen allele CA894160.
Genomic context (GRCh38, chr1:65,406,085, plus strand): 5'-CAGCCCAGCATGCCCCACTCCTCTCCCCAGAACCGACCCAACTACAACGTGAGCTTCTCA[G>T]CCATGCCTGGGGGCCAGAACGAACGTGGGAAAGGATCAAGTAATTTGGGTAAGGATAATG-3'
Protein context (NP_001243793.1, residues 805-825): NRPNYNVSFS[Ala815Ser]MPGGQNERGK